The following is an entry in ClinVar:

ClinVar aggregate classification (germline): Uncertain significance. Review status: criteria provided, multiple submitters, no conflicts (2 of 4 stars). 2 submissions from 2 submitters: Uncertain significance (2). Last evaluated 2024-03-25.

Conditions:
Cortical dysplasia, complex, with other brain malformations 11 (CDCBM11). Identifiers: MedGen C5774270, MONDO:0859332, OMIM 620156.

gnomAD v4.1: 16 of 1,588,964 alleles (0.001%); highest among the groups gnomAD compares: East Asian, 0.03%; no homozygotes.

Submissions (2):

Ambry Genetics
Classification: Uncertain significance. Last evaluated: 2024-03-25. Review status: criteria provided, single submitter. Criteria: Ambry Variant Classification Scheme 2023. Collection method: clinical testing. Allele origin: germline.

Juno Genomics, Hangzhou Juno Genomics, Inc
Classification: Uncertain significance for Cortical dysplasia, complex, with other brain malformations 11. Review status: criteria provided, single submitter. Criteria: ACMG Guidelines, 2015. Collection method: clinical testing. Allele origin: germline.
Comment: Absent from controls (or at extremely low frequency if recessive) in Genome Aggregation Database.

NM_015656.2(KIF26A):c.1801A>C (p.Ser601Arg)

Gene: KIF26A (kinesin family member 26A; plus strand). Cytogenetic location: 14q32.33.
Variant type: single nucleotide variant.
Coding change: c.1801A>C on transcript NM_015656.2 (MANE Select); coding-DNA position 1801, A replaced by C.
Protein change: p.Ser601Arg; replaces serine 601 with arginine.
Molecular consequence: missense variant.
Genome position (GRCh38, 1-based): chr14:104,173,447, A>C. VCF-style: chr14-104173447-A-C. GRCh37 (hg19) VCF-style: chr14-104639784-A-C.
Other names: short protein forms S601R.
Identifiers: ClinVar variation 3288562 (VCV003288562.3).